The following is an entry in ClinVar:

ClinVar aggregate classification (germline): Uncertain significance (1 of 4 stars; one submission).

Conditions:
Hereditary cancer-predisposing syndrome. Also called: Tumor predisposition; Hereditary Cancer Syndrome; Neoplastic Syndromes, Hereditary; Hereditary neoplastic syndrome. Identifiers: Orphanet 140162, MedGen C0027672, MeSH D009386, MONDO:0015356.

Submission:

Ambry Genetics
Classification: Uncertain significance for Hereditary cancer-predisposing syndrome. Last evaluated: 2021-11-02. Review status: criteria provided, single submitter. Criteria: Ambry Variant Classification Scheme 2023. Collection method: clinical testing. Allele origin: germline.
Comment: The p.S850T variant (also known as c.2549G>C), located in coding exon 18 of the KIT gene, results from a G to C substitution at nucleotide position 2549. The serine at codon 850 is replaced by threonine, an amino acid with similar properties. This amino acid position is conserved. In addition, this alteration is predicted to be deleterious by in silico analysis. Since supporting evidence is limited at this time, the clinical significance of this alteration remains unclear.

NM_000222.3(KIT):c.2549G>C (p.Ser850Thr)

Gene: KIT (KIT proto-oncogene, receptor tyrosine kinase; plus strand). Cytogenetic location: 4q12.
Variant type: single nucleotide variant.
Coding change: c.2549G>C on transcript NM_000222.3 (MANE Select); coding-DNA position 2549, G replaced by C.
Protein change: p.Ser850Thr; replaces serine 850 with threonine.
Molecular consequence: missense variant.
Genome position (GRCh38, 1-based): chr4:54,736,562, G>C. VCF-style: chr4-54736562-G-C. GRCh37 (hg19) VCF-style: chr4-55602728-G-C.
Other names: c.2537G>C, p.Ser846Thr (NM_001093772.2, NM_001385292.1); c.2552G>C, p.Ser851Thr (NM_001385284.1); c.2546G>C, p.Ser849Thr (NM_001385285.1); c.2534G>C, p.Ser845Thr (NM_001385286.1); c.2540G>C, p.Ser847Thr (NM_001385288.1); c.2549G>C, p.Ser850Thr (NM_001385290.1); short protein forms S851T, S845T, S849T, S850T, S846T, S847T.
Identifiers: ClinVar variation 1792916 (VCV001792916.2), dbSNP rs2109811369, ClinGen allele CA356913234.